The following is an entry in ClinVar:

ClinVar aggregate classification (germline): Uncertain significance. Review status: criteria provided, multiple submitters, no conflicts (2 of 4 stars). 2 submissions from 2 submitters: Uncertain significance (2). Last evaluated 2023-12-10.

Conditions:
Retinitis pigmentosa (RP). Identifiers: Orphanet 791, MedGen C0035334, MeSH D012174, MONDO:0019200, OMIM 268000. Inheritance: Autosomal dominant, autosomal recessive and X linked inheritance.

Allele frequency attached by ClinVar (database versions not stated): gnomAD exomes 0.00003; ExAC 0.00006; 1000 Genomes Project 0.00020; 1000 Genomes Project 30x 0.00047.
gnomAD v4.1: 14 of 1,604,578 alleles (0.00087%); highest among the groups gnomAD compares: South Asian, 0.015%; no homozygotes.

Submissions (2):

Labcorp Genetics (formerly Invitae), Labcorp
Classification: Uncertain significance. Last evaluated: 2023-12-10. Review status: criteria provided, single submitter. Criteria: Invitae Variant Classification Sherloc (09022015). Collection method: clinical testing. Allele origin: germline.
Comment: This sequence change replaces valine, which is neutral and non-polar, with alanine, which is neutral and non-polar, at codon 142 of the NRL protein (p.Val142Ala). This variant is present in population databases (rs576841649, gnomAD 0.02%). This variant has not been reported in the literature in individuals affected with NRL-related conditions. ClinVar contains an entry for this variant (Variation ID: 882487). An algorithm developed to predict the effect of missense changes on protein structure and function (PolyPhen-2) suggests that this variant is likely to be disruptive. In summary, the available evidence is currently insufficient to determine the role of this variant in disease. Therefore, it has been classified as a Variant of Uncertain Significance.

Illumina Laboratory Services, Illumina
Classification: Uncertain significance for Retinitis pigmentosa. Last evaluated: 2018-01-13. Review status: criteria provided, single submitter. Criteria: ICSL Variant Classification Criteria 13 December 2019. Collection method: clinical testing. Allele origin: germline.

NM_001354768.3(NRL):c.425T>C (p.Val142Ala)

Gene: NRL (neural retina leucine zipper; minus strand). Cytogenetic location: 14q11.2.
Variant type: single nucleotide variant.
Coding change: c.425T>C on transcript NM_001354768.3 (MANE Select); coding-DNA position 425, T replaced by C.
Protein change: p.Val142Ala; replaces valine 142 with alanine.
Molecular consequence: missense variant.
Genome position (GRCh38, 1-based): chr14:24,081,525, A>G on the plus strand (T>C on the coding strand, the complement: NRL is on the minus strand). VCF-style: chr14-24081525-A-G. GRCh37 (hg19) VCF-style: chr14-24550734-A-G.
Other names: c.425T>C, p.Val142Ala (NM_001354769.1, NM_006177.5); c.110T>C, p.Val37Ala (NM_001354770.2); short protein forms V142A, V37A.
Identifiers: ClinVar variation 882487 (VCV000882487.7), dbSNP rs576841649, ClinGen allele CA7122835.